The following is an entry in ClinVar:

NM_002470.4(MYH3):c.4214T>C (p.Val1405Ala)

Gene: MYH3 (myosin heavy chain 3; minus strand). Cytogenetic location: 17p13.1.
Variant type: single nucleotide variant.
Coding change: c.4214T>C on transcript NM_002470.4 (MANE Select); coding-DNA position 4214, T replaced by C.
Protein change: p.Val1405Ala; replaces valine 1405 with alanine.
Molecular consequence: missense variant.
Genome position (GRCh38, 1-based): chr17:10,634,982, A>G on the plus strand (T>C on the coding strand, the complement: MYH3 is on the minus strand). VCF-style: chr17-10634982-A-G. GRCh37 (hg19) VCF-style: chr17-10538299-A-G.
Other names: short protein forms V1405A.
Identifiers: ClinVar variation 3355909 (VCV003355909.3).

ClinVar aggregate classification (germline): Uncertain significance. Review status: criteria provided, single submitter (1 of 4 stars). 2 submissions from 2 submitters: Uncertain significance (1). 1 of the submissions does not count toward it. Last evaluated 2025-03-05.

Conditions:
MYH3-related disorder. Also called: MYH3-related condition; MYH3-Related Disorders. Identifiers: MedGen CN239329.

gnomAD v4.1: 9 of 1,613,782 alleles (0.00056%); highest among the groups gnomAD compares: Admixed American, 0.012%; no homozygotes.

Submissions (2):

Labcorp Genetics (formerly Invitae), Labcorp
Classification: Uncertain significance. Last evaluated: 2025-03-05. Review status: criteria provided, single submitter. Criteria: Invitae Variant Classification Sherloc (09022015). Collection method: clinical testing. Allele origin: germline.
Comment: This sequence change replaces valine, which is neutral and non-polar, with alanine, which is neutral and non-polar, at codon 1405 of the MYH3 protein (p.Val1405Ala). This variant is present in population databases (rs758342466, gnomAD 0.01%). This variant has not been reported in the literature in individuals affected with MYH3-related conditions. ClinVar contains an entry for this variant (Variation ID: 3355909). Invitae Evidence Modeling of protein sequence and biophysical properties (such as structural, functional, and spatial information, amino acid conservation, physicochemical variation, residue mobility, and thermodynamic stability) indicates that this missense variant is not expected to disrupt MYH3 protein function with a negative predictive value of 95%. In summary, the available evidence is currently insufficient to determine the role of this variant in disease. Therefore, it has been classified as a Variant of Uncertain Significance.

PreventionGenetics, part of Exact Sciences
Classification: Uncertain significance for MYH3-related condition. Last evaluated: 2024-08-02. Review status: no assertion criteria provided. Collection method: clinical testing. Allele origin: germline. Not counted in ClinVar's aggregate classification.
Comment: The MYH3 c.4214T>C variant is predicted to result in the amino acid substitution p.Val1405Ala. To our knowledge, this variant has not been reported in the literature. This variant is reported in 0.014% of alleles in individuals of Latino descent in gnomAD. At this time, the clinical significance of this variant is uncertain due to the absence of conclusive functional and genetic evidence.